The following is an entry in ClinVar:

NM_001101362.3(KBTBD13):c.938G>T (p.Arg313Leu)

Gene: KBTBD13 (kelch repeat and BTB domain containing 13; plus strand). Cytogenetic location: 15q22.31.
Variant type: single nucleotide variant.
Coding change: c.938G>T on transcript NM_001101362.3 (MANE Select); coding-DNA position 938, G replaced by T.
Protein change: p.Arg313Leu; replaces arginine 313 with leucine.
Molecular consequence: missense variant.
Genome position (GRCh38, 1-based): chr15:65,077,753, G>T. VCF-style: chr15-65077753-G-T. GRCh37 (hg19) VCF-style: chr15-65370091-G-T.
Other names: short protein forms R313L.
Identifiers: ClinVar variation 532993 (VCV000532993.8), dbSNP rs1399367095, ClinGen allele CA392864595.
Genomic context (GRCh38, chr15:65,077,753, plus strand): 5'-AGCCGGCCGCCGGCGTGCCCTGCGCCCAGGCTTGTGGCCGTCTCTTCGTGTGCCTGTGGC[G>T]GCCGGCCGACACCACCGCCGTGGTGGAGTACGCAGTGCGGACCGACGCGTGGCTGCCAGT-3'
Protein context (NP_001094832.1, residues 303-323): ACGRLFVCLW[Arg313Leu]PADTTAVVEY

ClinVar aggregate classification (germline): Uncertain significance (1 of 4 stars; one submission).

Conditions:
Nemaline myopathy 6 (NEM6). Also called: Nemaline myopathy 6, autosomal dominant. Identifiers: Orphanet 171439, MedGen C1836472, MONDO:0012237, OMIM 609273.

Submission:

Labcorp Genetics (formerly Invitae), Labcorp
Classification: Uncertain significance for Nemaline myopathy 6. Last evaluated: 2017-12-05. Review status: criteria provided, single submitter. Criteria: Invitae Variant Classification Sherloc (09022015). Collection method: clinical testing. Allele origin: germline.
Comment: This variant has not been reported in the literature in individuals with KBTBD13-related disease. This variant is not present in population databases (ExAC no frequency). This sequence change replaces arginine with leucine at codon 313 of the KBTBD13 protein (p.Arg313Leu). The arginine residue is weakly conserved and there is a moderate physicochemical difference between arginine and leucine. In summary, the available evidence is currently insufficient to determine the role of this variant in disease. Therefore, it has been classified as a Variant of Uncertain Significance. Algorithms developed to predict the effect of missense changes on protein structure and function (SIFT, PolyPhen-2, Align-GVGD) all suggest that this variant is likely to be tolerated, but these predictions have not been confirmed by published functional studies and their clinical significance is uncertain.